The following is an entry in ClinVar:

NM_007194.4(CHEK2):c.592+16_592+17insGGTAATATTATTATCTTTTTTTTTTTTTTTTTTTTTTNNNNNNNNNNTCACCGTCTTCTGCGTCGCTCACGCTGGGAGCTGTAGACCGGAGCTGTTCCTATTCGGCCATCTTGGCTCCTCAGCC

Gene: CHEK2 (checkpoint kinase 2; minus strand). Cytogenetic location: 22q12.1.
Variant type: Insertion.
Coding change: c.592+16_592+17insGGTAATATTATTATCTTTTTTTTTTTTTTTTTTTTTTNNNNNNNNNNTCACCGTCTTCTGCGTCGCTCACGCTGGGAGCTGTAGACCGGAGCTGTTCCTATTCGGCCATCTTGGCTCCTCAGCC on transcript NM_007194.4 (MANE Select); bases 16 to 17 of the intron after coding-DNA position 592, GGTAATATTATTATCTTTTTTTTTTTTTTTTTTTTTTNNNNNNNNNNTCACCGTCTTCTGCGTCGCTCACGCTGGGAGCTGTAGACCGGAGCTGTTCCTATTCGGCCATCTTGGCTCCTCAGCC inserted.
Molecular consequence: splice donor variant. On other transcripts: intron variant (1).
Genome position: GRCh38: chr22:28,724,977-28,724,978. GRCh37 (hg19): chr22:29,120,965-29,120,966.
Other names: c.-72+16_-72+17insGGTAATATTATTATCTTTTTTTTTTTTTTTTTTTTTTNNNNNNNNNNTCACCGTCTTCTGCGTCGCTCACGCTGGGAGCTGTAGACCGGAGCTGTTCCTATTCGGCCATCTTGGCTCCTCAGCC (NM_001437942.1); c.445-38_445-37insGGTAATATTATTATCTTTTTTTTTTTTTTTTTTTTTTNNNNNNNNNNTCACCGTCTTCTGCGTCGCTCACGCTGGGAGCTGTAGACCGGAGCTGTTCCTATTCGGCCATCTTGGCTCCTCAGCC (NM_001349956.3); c.592+16_592+17insGGTAATATTATTATCTTTTTTTTTTTTTTTTTTTTTTNNNNNNNNNNTCACCGTCTTCTGCGTCGCTCACGCTGGGAGCTGTAGACCGGAGCTGTTCCTATTCGGCCATCTTGGCTCCTCAGCC (NM_145862.3); c.-186+16_-186+17insGGTAATATTATTATCTTTTTTTTTTTTTTTTTTTTTTNNNNNNNNNNTCACCGTCTTCTGCGTCGCTCACGCTGGGAGCTGTAGACCGGAGCTGTTCCTATTCGGCCATCTTGGCTCCTCAGCC (NM_001257387.3); c.685+16_685+17insGGTAATATTATTATCTTTTTTTTTTTTTTTTTTTTTTNNNNNNNNNNTCACCGTCTTCTGCGTCGCTCACGCTGGGAGCTGTAGACCGGAGCTGTTCCTATTCGGCCATCTTGGCTCCTCAGCC (NM_001438295.1, NM_001438293.1); c.721+16_721+17insGGTAATATTATTATCTTTTTTTTTTTTTTTTTTTTTTNNNNNNNNNNTCACCGTCTTCTGCGTCGCTCACGCTGGGAGCTGTAGACCGGAGCTGTTCCTATTCGGCCATCTTGGCTCCTCAGCC (NM_001438294.1, NM_001005735.3).
Identifiers: ClinVar variation 1469159 (VCV001469159.7), dbSNP rs2146055696.

ClinVar aggregate classification (germline): Uncertain significance (1 of 4 stars; one submission).

Conditions:
Familial cancer of breast. Also called: hereditary breast carcinoma; BREAST CANCER, FAMILIAL; Hereditary breast cancer. Identifiers: Orphanet 227535, MedGen C0346153, MONDO:0016419, OMIM 114480. Disease mechanism: loss of function.

Submission:

Labcorp Genetics (formerly Invitae), Labcorp
Classification: Uncertain significance for Familial cancer of breast. Last evaluated: 2025-11-07. Review status: criteria provided, single submitter. Criteria: Invitae Variant Classification Sherloc (09022015). Collection method: clinical testing. Allele origin: germline.
Comment: This sequence change falls in intron 4 of the CHEK2 gene. It does not directly change the encoded amino acid sequence of the CHEK2 protein. This variant is not present in population databases (gnomAD no frequency). This variant has not been reported in the literature in individuals affected with CHEK2-related conditions. Studies have shown that this variant is associated with inconclusive levels of altered splicing (internal data). In summary, the available evidence is currently insufficient to determine the role of this variant in disease. Therefore, it has been classified as a Variant of Uncertain Significance.